The following is an entry in ClinVar:

NM_002691.4(POLD1):c.2953+11_2953+12inv

Gene: POLD1 (DNA polymerase delta 1, catalytic subunit; plus strand). Cytogenetic location: 19q13.33.
Variant type: Inversion.
Coding change: c.2953+11_2953+12inv on transcript NM_002691.4 (MANE Select).
Molecular consequence: intron variant.
Genome position: GRCh38 VCF-style: chr19-50416539-AC-GT. GRCh37 (hg19) VCF-style: chr19-50919796-AC-GT.
Other names: c.2953+11_2953+12inv (NM_001256849.1); c.3031+11_3031+12inv (NM_001308632.1).
Identifiers: ClinVar variation 2099365 (VCV002099365.4), ClinGen allele CA2580097835.
Genomic context (GRCh38, chr19:50,416,539, plus strand): 5'-CATCTTCGAGCCCATCCTGGGCGAGGGCCGTGCCGAGGCTGTGCTACTGCGTACGGGGGC[AC>GT]CAGGGGACTGGGGGCACCCTGGGGGGGCAGAGGAGATCACCGGCCCACCACCTGCCTCCT-3'

ClinVar aggregate classification (germline): Uncertain significance (1 of 4 stars; one submission).

Conditions:
POLD1-related polyposis and colorectal cancer syndrome (CRCS10). Also called: Colorectal cancer 10; COLORECTAL CANCER, SUSCEPTIBILITY TO, ON CHROMOSOME 19q; Colorectal cancer, susceptibility to, 10. Identifiers: Orphanet 220460, MedGen C2675481, MONDO:0012953, OMIM 612591.

Submission:

Labcorp Genetics (formerly Invitae), Labcorp
Classification: Uncertain significance for POLD1-related polyposis and colorectal cancer syndrome. Last evaluated: 2022-02-19. Review status: criteria provided, single submitter. Criteria: Invitae Variant Classification Sherloc (09022015). Collection method: clinical testing. Allele origin: germline.
Comment: In summary, the available evidence is currently insufficient to determine the role of this variant in disease. Therefore, it has been classified as a Variant of Uncertain Significance. Experimental studies and prediction algorithms are not available or were not evaluated, and the effect of this variant on mRNA splicing is currently unknown. This variant has not been reported in the literature in individuals affected with POLD1-related conditions. Information on the frequency of this variant in the gnomAD database is not available, as this variant may be reported differently in the database. This sequence change falls in intron 23 of the POLD1 gene. It does not directly change the encoded amino acid sequence of the POLD1 protein.